The following is an entry in ClinVar:

ClinVar aggregate classification (germline): Uncertain significance (1 of 4 stars; one submission).

Conditions:
Gamma-aminobutyric acid transaminase deficiency (GABATD). Also called: Gamma aminobutyrate transaminase deficiency; 4 alpha aminobutyrate transaminase deficiency; GABA transaminase deficiency; GABA aminotransaminase deficiency. Identifiers: Orphanet 2066, MedGen C0342708, MONDO:0013166, OMIM 613163.

gnomAD v4.1: 1 of 1,614,194 alleles (0.000062%); highest among the groups gnomAD compares: Non-Finnish European, 0.000085%; no homozygotes.

Submission:

Labcorp Genetics (formerly Invitae), Labcorp
Classification: Uncertain significance for Gamma-aminobutyric acid transaminase deficiency. Last evaluated: 2022-04-16. Review status: criteria provided, single submitter. Criteria: Invitae Variant Classification Sherloc (09022015). Collection method: clinical testing. Allele origin: germline.
Comment: In summary, the available evidence is currently insufficient to determine the role of this variant in disease. Therefore, it has been classified as a Variant of Uncertain Significance. Algorithms developed to predict the effect of missense changes on protein structure and function (SIFT, PolyPhen-2, Align-GVGD) all suggest that this variant is likely to be disruptive. This variant has not been reported in the literature in individuals affected with ABAT-related conditions. This variant is not present in population databases (gnomAD no frequency). This sequence change replaces cysteine, which is neutral and slightly polar, with tyrosine, which is neutral and polar, at codon 269 of the ABAT protein (p.Cys269Tyr).

NM_020686.6(ABAT):c.806G>A (p.Cys269Tyr)

Gene: ABAT (4-aminobutyrate aminotransferase; plus strand). Cytogenetic location: 16p13.2.
Variant type: single nucleotide variant.
Coding change: c.806G>A on transcript NM_020686.6 (MANE Select); coding-DNA position 806, G replaced by A.
Protein change: p.Cys269Tyr; replaces cysteine 269 with tyrosine.
Molecular consequence: missense variant.
Genome position (GRCh38, 1-based): chr16:8,768,963, G>A. VCF-style: chr16-8768963-G-A. GRCh37 (hg19) VCF-style: chr16-8862820-G-A.
Other names: c.806G>A, p.Cys269Tyr (NM_000663.5, NM_001127448.2, NM_001386600.1 and 7 more transcripts); c.743G>A, p.Cys248Tyr (NM_001386606.1, NM_001386607.1); c.713G>A, p.Cys238Tyr (NM_001386608.1); c.671G>A, p.Cys224Tyr (NM_001386610.1, NM_001386611.1); c.608G>A, p.Cys203Tyr (NM_001386612.1, NM_001386613.1); c.560G>A, p.Cys187Tyr (NM_001386614.1); c.902G>A, p.Cys301Tyr (NM_001386615.1); short protein forms C248Y, C187Y, C269Y, C224Y, C238Y, C203Y, C301Y.
Identifiers: ClinVar variation 2126692 (VCV002126692.4), dbSNP rs2549089206, ClinGen allele CA394689156.
Genomic context (GRCh38, chr16:8,768,963, plus strand): 5'-CACGGCTGAAATACCCTCTGGAAGAGTTTGTGAAAGAGAACCAACAGGAGGAGGCCCGCT[G>A]TCTGGAAGAGGTAATGCTCATACCCTGCGGATCCTCCCCAACCACCAGTCCTGTTGCTCT-3'
Protein context (NP_065737.2, residues 259-279): VKENQQEEAR[Cys269Tyr]LEEVEDLIVK